The following is an entry in ClinVar:

NM_001040716.2(PC):c.2134G>A (p.Asp712Asn)

Gene: PC (pyruvate carboxylase; minus strand). Cytogenetic location: 11q13.2.
Variant type: single nucleotide variant.
Coding change: c.2134G>A on transcript NM_001040716.2 (MANE Select); coding-DNA position 2134, G replaced by A.
Protein change: p.Asp712Asn; replaces aspartic acid 712 with asparagine.
Molecular consequence: missense variant.
Genome position (GRCh38, 1-based): chr11:66,851,129, C>T on the plus strand (G>A on the coding strand, the complement: PC is on the minus strand). VCF-style: chr11-66851129-C-T. GRCh37 (hg19) VCF-style: chr11-66618600-C-T.
Other names: c.2134G>A (NM_000920.3); c.2134G>A, p.Asp712Asn (NM_000920.4, NM_022172.3); short protein forms D712N.
Identifiers: ClinVar variation 2171310 (VCV002171310.5), dbSNP rs185412729, ClinGen allele CA6131166.

ClinVar aggregate classification (germline): Conflicting classifications of pathogenicity. Review status: criteria provided, conflicting classifications (1 of 4 stars). 2 submissions from 2 submitters: Uncertain significance (1); Likely benign (1). Last evaluated 2023-12-22.

Conditions:
Pyruvate carboxylase deficiency. Also called: ATAXIA WITH LACTIC ACIDOSIS II; LEIGH NECROTIZING ENCEPHALOPATHY DUE TO PYRUVATE CARBOXYLASE DEFICIENCY; LEIGH SYNDROME DUE TO PYRUVATE CARBOXYLASE DEFICIENCY; PC DEFICIENCY; Pyruvate Carboxylase Deficiency Disease. Identifiers: Orphanet 3008, MedGen C0034341, MONDO:0009949, OMIM 266150.

Allele frequency attached by ClinVar (database versions not stated): gnomAD 0.00002; gnomAD exomes 0.00002; TOPMed 0.00002; ExAC 0.00003; 1000 Genomes Project 30x 0.00016; 1000 Genomes Project 0.00020.
gnomAD v4.1: 35 of 1,612,736 alleles (0.0022%); highest among the groups gnomAD compares: Middle Eastern, 0.016%; no homozygotes.

Submissions (2):

Labcorp Genetics (formerly Invitae), Labcorp
Classification: Likely benign for Pyruvate carboxylase deficiency. Last evaluated: 2023-12-22. Review status: criteria provided, single submitter. Criteria: Invitae Variant Classification Sherloc (09022015). Collection method: clinical testing. Allele origin: germline.

GeneDx
Classification: Uncertain significance. Last evaluated: 2023-01-26. Review status: criteria provided, single submitter. Criteria: GeneDx Variant Classification Process June 2021. Collection method: clinical testing. Allele origin: germline. Affected: yes.
Comment: Not observed at significant frequency in large population cohorts (gnomAD); In silico analysis supports that this missense variant does not alter protein structure/function; Has not been previously published as pathogenic or benign to our knowledge